The following is an entry in ClinVar:

NM_005676.5(RBM10):c.12A>T (p.Glu4Asp)

Gene: RBM10 (RNA binding motif protein 10; plus strand). Cytogenetic location: Xp11.3.
Variant type: single nucleotide variant.
Coding change: c.12A>T on transcript NM_005676.5 (MANE Select); coding-DNA position 12, A replaced by T.
Protein change: p.Glu4Asp; replaces glutamic acid 4 with aspartic acid.
Molecular consequence: missense variant.
Genome position (GRCh38, 1-based): chrX:47,147,493, A>T. VCF-style: chrX-47147493-A-T. GRCh37 (hg19) VCF-style: chrX-47006892-A-T.
Other names: c.12A>T, p.Glu4Asp (NM_001204466.2, NM_001204467.2, NM_152856.3); c.207A>T, p.Glu69Asp (NM_001204468.2, NM_001440861.1, NM_001440862.1 and 1 more transcripts); short protein forms E4D, E69D.
Identifiers: ClinVar variation 4715208 (VCV004715208.1).

ClinVar aggregate classification (germline): Uncertain significance (1 of 4 stars; one submission).

Submission:

Labcorp Genetics (formerly Invitae), Labcorp
Classification: Uncertain significance. Last evaluated: 2025-03-22. Review status: criteria provided, single submitter. Criteria: Invitae Variant Classification Sherloc (09022015). Collection method: clinical testing. Allele origin: germline.
Comment: This sequence change replaces glutamic acid, which is acidic and polar, with aspartic acid, which is acidic and polar, at codon 4 of the RBM10 protein (p.Glu4Asp). This variant is not present in population databases (gnomAD no frequency). This variant has not been reported in the literature in individuals affected with RBM10-related conditions. Experimental studies and prediction algorithms are not available or were not evaluated, and the functional significance of this variant is currently unknown. In summary, the available evidence is currently insufficient to determine the role of this variant in disease. Therefore, it has been classified as a Variant of Uncertain Significance.